The following is an entry in ClinVar:

ClinVar aggregate classification (germline): Uncertain significance. Review status: criteria provided, multiple submitters, no conflicts (2 of 4 stars). 3 submissions from 3 submitters: Uncertain significance (3). Last evaluated 2025-03-26.

Conditions:
Cardiovascular phenotype. Identifiers: MedGen CN230736.
Hypertrophic cardiomyopathy 16. Identifiers: MedGen C3151204, MONDO:0013455, OMIM 613838.

gnomAD v4.1: 5 of 1,613,284 alleles (0.00031%); no homozygotes.

Submissions (3):

Revvity Omics, Revvity
Classification: Uncertain significance for Hypertrophic cardiomyopathy 16. Last evaluated: 2025-03-26. Review status: criteria provided, single submitter. Criteria: ACMG Guidelines, 2015. Collection method: clinical testing. Allele origin: germline.

Laboratory for Molecular Medicine, Mass General Brigham Personalized Medicine
Classification: Uncertain significance. Last evaluated: 2016-04-14. Review status: criteria provided, single submitter. Criteria: LMM Criteria. Collection method: clinical testing. Allele origin: germline. Observed: 1 variant allele.
Comment: The c.-3A>G variant in MYOZ2 has not been previously reported in individuals wit h cardiomyopathy and was absent from large population studies. This variant is l ocated in the 5' UTR and is part of the translation initiation (Kozak) sequence, but its effect on translation is unknown. In summary, while the clinical signif icance of the c.-3A>G variant is uncertain.

Ambry Genetics
Classification: Uncertain significance for Cardiovascular phenotype. Last evaluated: 2015-12-24. Review status: criteria provided, single submitter. Criteria: Ambry Variant Classification Scheme 2023. Collection method: clinical testing. Allele origin: germline.
Comment: The c.-3A>G variant is located in the 5' untranslated region (5&rsquo; UTR) of the MYOZ2 gene. This variant results from an A to G substitution 3 bases upstream from the first translated codon. This variant was previously reported in the SNPDatabase as rs372377840. This variant was not reported in population-based cohorts in the following databases: Database of Single Nucleotide Polymorphisms (dbSNP), NHLBI Exome Sequencing Project (ESP), and 1000 Genomes Project. In the ESP, this variant was not observed in 6503 samples (13006 alleles) with coverage at this position. This nucleotide position is not well conserved in available vertebrate species, and G is the reference nucleotide in six species. Since supporting evidence for this variant is limited at this time, the clinical significance of this variant remains unclear.

NM_016599.5(MYOZ2):c.-3A>G

Gene: MYOZ2 (myozenin 2; plus strand). Cytogenetic location: 4q26.
Variant type: single nucleotide variant.
Coding change: c.-3A>G on transcript NM_016599.5 (MANE Select); 3 bases upstream of the start codon, A replaced by G.
Molecular consequence: 5 prime UTR variant.
Genome position (GRCh38, 1-based): chr4:119,136,523, A>G. VCF-style: chr4-119136523-A-G. GRCh37 (hg19) VCF-style: chr4-120057678-A-G.
Identifiers: ClinVar variation 504932 (VCV000504932.10), dbSNP rs372377840, ClinGen allele CA104969009.
Genomic context (GRCh38, chr4:119,136,523, plus strand): 5'-CAAATGAGTTCTTCACATTGCCTCAATAATGTCCCTTTGTTTTTAACAGGGAACAAAAAA[A>G]CCATGCTATCACATAATACTATGATGAAGCAGAGAAAACAGCAAGCAACAGCCATCATGA-3'